The following is an entry in ClinVar:

NM_004168.4(SDHA):c.-3G>T

Gene: SDHA (succinate dehydrogenase complex flavoprotein subunit A; plus strand). Cytogenetic location: 5p15.33.
Variant type: single nucleotide variant.
Coding change: c.-3G>T on transcript NM_004168.4 (MANE Select); 3 bases upstream of the start codon, G replaced by T.
Molecular consequence: 5 prime UTR variant.
Genome position (GRCh38, 1-based): chr5:218,353, G>T. VCF-style: chr5-218353-G-T. GRCh37 (hg19) VCF-style: chr5-218468-G-T.
Other names: c.-3G>T (NM_001294332.2, NM_001330758.2, NM_004168.3).
Identifiers: ClinVar variation 486369 (VCV000486369.9), dbSNP rs1553996340, ClinGen allele CA658657416.
Genomic context (GRCh38, chr5:218,353, plus strand): 5'-GGTGTGGTGCGCAGGCGCAGTCTGCGCAGGGACTGGCGGGACTGCGCGGCGGCAACAGCA[G>T]ACATGTCGGGGGTCCGGGGCCTGTCGCGGCTGCTGAGCGCTCGGCGCCTGGCGCTGGCCA-3'

ClinVar aggregate classification (germline): Uncertain significance. Review status: criteria provided, multiple submitters, no conflicts (2 of 4 stars). 3 submissions from 3 submitters: Uncertain significance (3). Last evaluated 2025-07-03.

Conditions:
SDHA-related disorder. Also called: SDHA-related condition; SDHA-related disorders.
Hereditary cancer-predisposing syndrome. Also called: Neoplastic Syndromes, Hereditary; Hereditary Cancer Syndrome; Tumor predisposition; Hereditary neoplastic syndrome. Identifiers: Orphanet 140162, MedGen C0027672, MeSH D009386, MONDO:0015356.

Allele frequency attached by ClinVar (database versions not stated): gnomAD exomes below 0.00001.
gnomAD v4.1: 6 of 1,459,008 alleles (0.00041%); highest among the groups gnomAD compares: Non-Finnish European, 0.00045%; no homozygotes.

Submissions (3):

Ambry Genetics
Classification: Uncertain significance for Hereditary cancer-predisposing syndrome. Last evaluated: 2025-07-03. Review status: criteria provided, single submitter. Criteria: Ambry Variant Classification Scheme 2023. Collection method: clinical testing. Allele origin: germline.
Comment: The c.-3G>T variant is located in the 5' untranslated region (5&rsquo; UTR) of the SDHA gene. This variant results from a G to T substitution 3 bases upstream from the first translated codon. This nucleotide position is well conserved on limited sequence alignment. Based on the available evidence, the clinical significance of this variant remains unclear.

PreventionGenetics, part of Exact Sciences
Classification: Uncertain significance for SDHA-related condition. Last evaluated: 2025-06-11. Review status: criteria provided, single submitter. Criteria: ACMG Guidelines, 2015. Collection method: clinical testing. Allele origin: germline.
Comment: The SDHA c.-3G>T variant is located in the 5' untranslated region. To our knowledge, this variant has not been reported in the literature or in a large population database (gnomAD), indicating this variant is rare. This variant is interpreted as uncertain in ClinVar. At this time, the clinical significance of this variant is uncertain due to the absence of conclusive functional and genetic evidence.

GeneDx
Classification: Uncertain significance. Last evaluated: 2023-07-11. Review status: criteria provided, single submitter. Criteria: GeneDx Variant Classification Process June 2021. Collection method: clinical testing. Allele origin: germline. Affected: yes.
Comment: Not observed at significant frequency in large population cohorts (gnomAD); Nucleotide substitution has no predicted effect on splicing and is not conserved across species; Has not been previously published as pathogenic or benign to our knowledge